The following is an entry in ClinVar:

ClinVar aggregate classification (germline): Uncertain significance (1 of 4 stars; one submission).

Conditions:
Landau-Kleffner syndrome (FESD). Also called: APHASIA, ACQUIRED, WITH EPILEPSY; EPILEPSY, FOCAL, WITH SPEECH DISORDER AND WITH OR WITHOUT MENTAL RETARDATION. Identifiers: Orphanet 1945, Orphanet 725, Orphanet 98818, MedGen C0282512, MONDO:0009509, OMIM 245570.

Submission:

Labcorp Genetics (formerly Invitae), Labcorp
Classification: Uncertain significance for Landau-Kleffner syndrome. Last evaluated: 2024-01-14. Review status: criteria provided, single submitter. Criteria: Invitae Variant Classification Sherloc (09022015). Collection method: clinical testing. Allele origin: germline.
Comment: This sequence change replaces tryptophan, which is neutral and slightly polar, with arginine, which is basic and polar, at codon 167 of the GRIN2A protein (p.Trp167Arg). This variant is not present in population databases (gnomAD no frequency). This variant has not been reported in the literature in individuals affected with GRIN2A-related conditions. Advanced modeling of protein sequence and biophysical properties (such as structural, functional, and spatial information, amino acid conservation, physicochemical variation, residue mobility, and thermodynamic stability) performed at Invitae indicates that this missense variant is expected to disrupt GRIN2A protein function with a positive predictive value of 95%. In summary, the available evidence is currently insufficient to determine the role of this variant in disease. Therefore, it has been classified as a Variant of Uncertain Significance.

NM_001134407.3(GRIN2A):c.499T>C (p.Trp167Arg)

Gene: GRIN2A (glutamate ionotropic receptor NMDA type subunit 2A; minus strand). Cytogenetic location: 16p13.2.
Variant type: single nucleotide variant.
Coding change: c.499T>C on transcript NM_001134407.3 (MANE Select); coding-DNA position 499, T replaced by C.
Protein change: p.Trp167Arg; replaces tryptophan 167 with arginine.
Molecular consequence: missense variant.
Genome position (GRCh38, 1-based): chr16:9,938,467, A>G on the plus strand (T>C on the coding strand, the complement: GRIN2A is on the minus strand). VCF-style: chr16-9938467-A-G. GRCh37 (hg19) VCF-style: chr16-10032324-A-G.
Other names: c.499T>C, p.Trp167Arg (NM_000833.5, NM_001134408.2); short protein forms W167R.
Identifiers: ClinVar variation 2709346 (VCV002709346.3), dbSNP rs2543143186, ClinGen allele CA394799273.